The following is an entry in ClinVar:

ClinVar aggregate classification (germline): Pathogenic. Review status: criteria provided, multiple submitters, no conflicts (2 of 4 stars). 4 submissions from 4 submitters: Pathogenic (4). Last evaluated 2026-01-14.

Conditions:
Familial thoracic aortic aneurysm and aortic dissection (TAAD). Also called: Thoracic aortic aneurysms and dissections. Identifiers: Orphanet 91387, MedGen C4707243, MONDO:0019625.
Marfan syndrome (MFS). Also called: FBN1-Related Marfan Syndrome; Marfan syndrome type 1; Marfan's syndrome; Marfan syndrome, classic; MARFAN SYNDROME, TYPE I. Identifiers: Orphanet 284963, Orphanet 558, MedGen C0024796, MONDO:0007947, OMIM 154700.

Submissions (4):

Victorian Clinical Genetics Services, Murdoch Childrens Research Institute
Classification: Pathogenic for Marfan syndrome. Last evaluated: 2026-01-14. Review status: criteria provided, single submitter. Criteria: ACMG Guidelines, 2015. Collection method: clinical testing. Allele origin: germline. Affected: yes.
Comment: This variant is classified as Pathogenic. Evidence in support of pathogenic classification: Variant is predicted to cause nonsense-mediated decay (NMD) and loss of protein (premature termination codon is located at least 54 nucleotides upstream of the final exon-exon junction); Variant is absent from gnomAD (v2, v3 and v4); This variant has limited previous evidence of pathogenicity in unrelated individual(s). This variant has been classified as pathogenic by clinical laboratories in ClinVar; Other NMD-predicted variant(s) comparable to the one identified in this case have very strong previous evidence for pathogenicity (DECIPHER); Additional information: This variant is heterozygous; This gene is predominantly associated with autosomal dominant disease. There are rare reports of autosomal recessive forms of Marfan syndrome (PMID: 27274304; 31950671); Dominant negative and loss of function are known mechanisms of disease in this gene and are associated with FBN1-related disease. Variants predicted to result in nonsense mediated decay cause loss of function effects, and are more commonly associated with severe Marfan syndrome (MIM#154700). Missense variants with both dominant negative and loss of function effects on protein function, are associated with Marfan syndrome and ectopia lentis (MIM#129600) (OMIM, PMID: 29357934). The exact genotype-phenotype correlation for this gene is still unclear, and is compounded by variable expressivity (PMID: 20301510); Variants in this gene are known to have variable expressivity. The genotype-phenotype correlations for this gene are unclear, with single variants reported in patients with a range of phenotypes (PMID: 20301510, OMIM).

Ambry Genetics
Classification: Pathogenic for Familial thoracic aortic aneurysm and aortic dissection. Last evaluated: 2025-07-18. Review status: criteria provided, single submitter. Criteria: Ambry Variant Classification Scheme 2023. Collection method: clinical testing. Allele origin: germline.
Comment: The p.G55* pathogenic mutation (also known as c.163G>T), located in coding exon 1 of the FBN1 gene, results from a G to T substitution at nucleotide position 163. This changes the amino acid from a glycine to a stop codon within coding exon 1. This variant was reported in individual(s) with features consistent with Marfan syndrome (Ambry internal data). This variant is considered to be rare based on population cohorts in the Genome Aggregation Database (gnomAD). This alteration is expected to result in loss of function by premature protein truncation or nonsense-mediated mRNA decay. As such, this alteration is interpreted as a disease-causing mutation.

Labcorp Genetics (formerly Invitae), Labcorp
Classification: Pathogenic for Marfan syndrome; Familial thoracic aortic aneurysm and aortic dissection. Last evaluated: 2025-04-17. Review status: criteria provided, single submitter. Criteria: Invitae Variant Classification Sherloc (09022015). Collection method: clinical testing. Allele origin: germline.
Comment: This sequence change creates a premature translational stop signal (p.Gly55*) in the FBN1 gene. It is expected to result in an absent or disrupted protein product. Loss-of-function variants in FBN1 are known to be pathogenic (PMID: 17657824, 19293843). This variant is not present in population databases (gnomAD no frequency). This variant has not been reported in the literature in individuals affected with FBN1-related conditions. ClinVar contains an entry for this variant (Variation ID: 618122). For these reasons, this variant has been classified as Pathogenic.

ARUP Laboratories, Molecular Genetics and Genomics, ARUP Laboratories
Classification: Pathogenic. Last evaluated: 2018-07-30. Review status: criteria provided, single submitter. Criteria: ARUP Molecular Germline Variant Investigation Process. Collection method: clinical testing. Allele origin: germline.
Comment: The FBN1 c.163G>T; p.Gly55Ter variant, to our knowledge, is not reported in the medical literature or in gene-specific databases. It is also absent from general population databases (1000 Genomes Project, Exome Variant Server, and Genome Aggregation Database), indicating it is not a common polymorphism. This variant induces an early termination codon and is predicted to result in a truncated protein or mRNA subject to nonsense-mediated decay. Further, nonsense variants of FBN1 are causative of Marfan syndrome and related disorders and have been well-characterized in the literature (Loeys 2010, Schrijver 2002). Based on available information, this variant is considered pathogenic. Pathogenic FBN1 variants are most commonly causative for Marfan syndrome (MFS); clinical manifestations are variable. Additionally, other phenotypes including neonatal Marfan syndrome, mitral valve prolapse syndrome, MASS syndrome, thoracic aortic aneurysms and aortic dissections (TAAD), Shprintzen-Goldberg syndrome, Weill-Marchesani syndrome as well as autosomal dominant ectopia lentis are also associated with FBN1 pathogenic variants. References: Loeys et al. The revised Ghent nosology for the Marfan syndrome. J Med Genet. 2010 Jul;47(7):476-85. Schrijver I et al. Premature Termination Mutations in FBN1: Distinct Effects on Differential Allelic Expression and on Protein and Clinical Phenotypes. Am J Hum Genet 2002; 71:223-237.

Literature cited by the submitters: PubMed 27274304 (cited by Victorian Clinical Genetics Services, Murdoch Childrens Research Institute); PubMed 20301510 (cited by Victorian Clinical Genetics Services, Murdoch Childrens Research Institute); PubMed 29357934 (cited by Victorian Clinical Genetics Services, Murdoch Childrens Research Institute); PubMed 17657824 (cited by Labcorp Genetics (formerly Invitae), Labcorp); PubMed 19293843 (cited by Labcorp Genetics (formerly Invitae), Labcorp).

NM_000138.5(FBN1):c.163G>T (p.Gly55Ter)

Gene: FBN1 (fibrillin 1; minus strand). Cytogenetic location: 15q21.1.
Variant type: single nucleotide variant.
Coding change: c.163G>T on transcript NM_000138.5 (MANE Select); coding-DNA position 163, G replaced by T.
Protein change: p.Gly55Ter; replaces glycine 55 with a stop codon.
Molecular consequence: nonsense.
Genome position (GRCh38, 1-based): chr15:48,644,607, C>A on the plus strand (G>T on the coding strand, the complement: FBN1 is on the minus strand). VCF-style: chr15-48644607-C-A. GRCh37 (hg19) VCF-style: chr15-48936804-C-A.
Other names: short protein forms G55*.
Identifiers: ClinVar variation 618122 (VCV000618122.12), dbSNP rs1566944812, ClinGen allele CA392453406.
Genomic context (GRCh38, chr15:48,644,607, plus strand): 5'-TTGTTCTGGATCTTGAAACTTGGGAGACCCACACCAAAGGAGGGAACCGGTTCCTTTACC[C>A]TTTAAGCGCGTCGTGTCCTCCACCGCCTCTTCTCTTGGCCCGACTGGCTCTGGTTTCCTT-3'